The following is an entry in ClinVar:

ClinVar aggregate classification (germline): Uncertain significance (1 of 4 stars; one submission).

Conditions:
2-aminoadipic 2-oxoadipic aciduria (AAKAD). Also called: ALPHA-AMINOADIPIC AND ALPHA-KETOADIPIC ACIDURIA; Aminoadipic aciduria. Identifiers: Orphanet 79154, MedGen C1859817, MONDO:0008774, OMIM 204750.

Allele frequency attached by ClinVar (database versions not stated): TOPMed below 0.00001; gnomAD 0.00001; gnomAD exomes 0.00001.
gnomAD v4.1: 4 of 1,613,962 alleles (0.00025%); highest among the groups gnomAD compares: East Asian, 0.0022%; no homozygotes.

Submission:

Labcorp Genetics (formerly Invitae), Labcorp
Classification: Uncertain significance for 2-aminoadipic 2-oxoadipic aciduria. Last evaluated: 2023-03-30. Review status: criteria provided, single submitter. Criteria: Invitae Variant Classification Sherloc (09022015). Collection method: clinical testing. Allele origin: germline.
Comment: This variant is present in population databases (no rsID available, gnomAD 0.006%). This sequence change replaces isoleucine, which is neutral and non-polar, with valine, which is neutral and non-polar, at codon 607 of the DHTKD1 protein (p.Ile607Val). This variant has not been reported in the literature in individuals affected with DHTKD1-related conditions. In summary, the available evidence is currently insufficient to determine the role of this variant in disease. Therefore, it has been classified as a Variant of Uncertain Significance. Advanced modeling of protein sequence and biophysical properties (such as structural, functional, and spatial information, amino acid conservation, physicochemical variation, residue mobility, and thermodynamic stability) performed at Invitae indicates that this missense variant is not expected to disrupt DHTKD1 protein function.

NM_018706.7(DHTKD1):c.1819A>G (p.Ile607Val)

Gene: DHTKD1 (dehydrogenase E1 and transketolase domain containing 1; plus strand). Cytogenetic location: 10p14.
Variant type: single nucleotide variant.
Coding change: c.1819A>G on transcript NM_018706.7 (MANE Select); coding-DNA position 1819, A replaced by G.
Protein change: p.Ile607Val; replaces isoleucine 607 with valine.
Molecular consequence: missense variant.
Genome position (GRCh38, 1-based): chr10:12,101,104, A>G. VCF-style: chr10-12101104-A-G. GRCh37 (hg19) VCF-style: chr10-12143103-A-G.
Other names: short protein forms I607V.
Identifiers: ClinVar variation 3000603 (VCV003000603.3), dbSNP rs1214366317, ClinGen allele CA376022571.